The following is an entry in ClinVar:

NM_017763.6(RNF43):c.1133C>G (p.Ser378Cys)

Gene: RNF43 (ring finger protein 43; minus strand). Cytogenetic location: 17q22.
Variant type: single nucleotide variant.
Coding change: c.1133C>G on transcript NM_017763.6 (MANE Select); coding-DNA position 1133, C replaced by G.
Protein change: p.Ser378Cys; replaces serine 378 with cysteine.
Molecular consequence: missense variant.
Genome position (GRCh38, 1-based): chr17:58,358,643, G>C on the plus strand (C>G on the coding strand, the complement: RNF43 is on the minus strand). VCF-style: chr17-58358643-G-C. GRCh37 (hg19) VCF-style: chr17-56436004-G-C.
Other names: c.1133C>G (NM_017763.4); c.1133C>G, p.Ser378Cys (NM_001305544.3); c.752C>G, p.Ser251Cys (NM_001305545.2); short protein forms S251C, S378C.
Identifiers: ClinVar variation 2678398 (VCV002678398.4), dbSNP rs748840036, ClinGen allele CA8673228.

ClinVar aggregate classification (germline): Uncertain significance. Review status: criteria provided, multiple submitters, no conflicts (2 of 4 stars). 4 submissions from 4 submitters: Uncertain significance (4). Last evaluated 2025-11-02.

Conditions:
Sessile serrated polyposis cancer syndrome (SSPCS). Identifiers: Orphanet 157798, MedGen C4310714, MONDO:0014919, OMIM 617108.

gnomAD v4.1: 4 of 1,533,902 alleles (0.00026%); highest among the groups gnomAD compares: African/African-American, 0.0055%; no homozygotes.

Submissions (4):

Labcorp Genetics (formerly Invitae), Labcorp
Classification: Uncertain significance. Last evaluated: 2025-11-02. Review status: criteria provided, single submitter. Criteria: Invitae Variant Classification Sherloc (09022015). Collection method: clinical testing. Allele origin: germline.
Comment: This sequence change replaces serine, which is neutral and polar, with cysteine, which is neutral and slightly polar, at codon 378 of the RNF43 protein (p.Ser378Cys). This variant is present in population databases (rs748840036, gnomAD 0.005%). This variant has not been reported in the literature in individuals affected with RNF43-related conditions. ClinVar contains an entry for this variant (Variation ID: 2678398). An algorithm developed to predict the effect of missense changes on protein structure and function (PolyPhen-2) suggests that this variant is likely to be disruptive. In summary, the available evidence is currently insufficient to determine the role of this variant in disease. Therefore, it has been classified as a Variant of Uncertain Significance.

Ambry Genetics
Classification: Uncertain significance. Last evaluated: 2024-11-28. Review status: criteria provided, single submitter. Criteria: Ambry Variant Classification Scheme 2023. Collection method: clinical testing. Allele origin: germline.
Comment: The p.S378C variant (also known as c.1133C>G), located in coding exon 8 of the RNF43 gene, results from a C to G substitution at nucleotide position 1133. The serine at codon 378 is replaced by cysteine, an amino acid with dissimilar properties. This amino acid position is conserved. In addition, this alteration is predicted to be tolerated by in silico analysis. Based on the available evidence, the clinical significance of this variant remains unclear.

Baylor Genetics
Classification: Uncertain significance for Sessile serrated polyposis cancer syndrome. Last evaluated: 2023-10-05. Review status: criteria provided, single submitter. Criteria: ACMG Guidelines, 2015. Collection method: clinical testing. Allele origin: unknown.

GeneDx
Classification: Uncertain significance. Last evaluated: 2022-11-11. Review status: criteria provided, single submitter. Criteria: GeneDx Variant Classification Process June 2021. Collection method: clinical testing. Allele origin: germline. Affected: yes.
Comment: Not observed at significant frequency in large population cohorts (gnomAD); In silico analysis supports that this missense variant does not alter protein structure/function; Has not been previously published as pathogenic or benign to our knowledge; Variants in candidate genes are classified as variants of uncertain significance in accordance with ACMG guidelines (Richards et al., 2015)